The following is an entry in ClinVar:

NM_001002295.2(GATA3):c.832G>A (p.Asp278Asn)

Gene: GATA3 (GATA binding protein 3; plus strand). Cytogenetic location: 10p14.
Variant type: single nucleotide variant.
Coding change: c.832G>A on transcript NM_001002295.2 (MANE Select); coding-DNA position 832, G replaced by A.
Protein change: p.Asp278Asn; replaces aspartic acid 278 with asparagine.
Molecular consequence: missense variant.
Genome position (GRCh38, 1-based): chr10:8,064,046, G>A. VCF-style: chr10-8064046-G-A. GRCh37 (hg19) VCF-style: chr10-8106009-G-A.
Other names: c.829G>A, p.Asp277Asn (NM_002051.3); c.832G>A (NM_001002295.1); short protein forms D278N, D277N.
Identifiers: ClinVar variation 813823 (VCV000813823.2), dbSNP rs1588383622, ClinGen allele CA375973479.
Genomic context (GRCh38, chr10:8,064,046, plus strand): 5'-TTTCCAGAAGGCAGGGAGTGTGTGAACTGTGGGGCAACCTCGACCCCACTGTGGCGGCGA[G>A]ATGGCACGGGACACTACCTGTGCAACGCCTGCGGGCTCTATCACAAAATGAACGGACAGA-3'
Protein context (NP_001002295.1, residues 268-288): GATSTPLWRR[Asp278Asn]GTGHYLCNAC

ClinVar aggregate classification (germline): Conflicting classifications of pathogenicity. Review status: criteria provided, conflicting classifications (1 of 4 stars). 2 submissions from 2 submitters: Pathogenic (1); Uncertain significance (1). Last evaluated 2025-01-24.

Conditions:
Dominant congenital non-syndromic sensorineural hearing loss.

Submissions (2):

GeneDx
Classification: Uncertain significance. Last evaluated: 2025-01-24. Review status: criteria provided, single submitter. Criteria: GeneDx Variant Classification Process June 2021. Collection method: clinical testing. Allele origin: germline. Affected: yes.
Comment: Reported as c.829G>A p.(Asp277Asn) in a family with severe to profound hearing loss without renal and parathyroid findings (PMID: 33111345); Not observed at significant frequency in large population cohorts (gnomAD); In silico analysis supports that this missense variant has a deleterious effect on protein structure/function; This variant is associated with the following publications: (PMID: 33111345)

Laboratory of Prof. Karen Avraham, Tel Aviv University
Classification: Pathogenic for Dominant congenital non-syndromic sensorineural hearing loss. Last evaluated: 2018-05-07. Review status: criteria provided, single submitter. Criteria: ACMG Guidelines, 2015. Collection method: research. Allele origin: germline. Affected: yes.
Comment: Dominant, congenital, severe-profound NSHL